The following is an entry in ClinVar:

ClinVar aggregate classification (germline): Benign. Review status: criteria provided, multiple submitters, no conflicts (2 of 4 stars). 5 submissions from 5 submitters: Benign (4). 1 of the submissions does not count toward it. Last evaluated 2026-01-27.

Conditions:
Bilateral frontoparietal polymicrogyria. Also called: CORTICAL DYSPLASIA, COMPLEX, WITH OTHER BRAIN MALFORMATIONS 14A (BILATERAL FRONTOPARIETAL); CEREBELLAR ATAXIA WITH NEURONAL MIGRATION DEFECT. Identifiers: Orphanet 101070, MedGen C1847352, MONDO:0011738, OMIM 606854.

Allele frequency attached by ClinVar (database versions not stated): gnomAD exomes 0.00046 and 0.00124; gnomAD 0.00515 and 0.00478; 1000 Genomes Project 30x 0.00547; ESP Exome Variant Server 0.00562; TOPMed 0.00570; ExAC 0.00166; 1000 Genomes Project 0.00499.

Submissions (5):

Labcorp Genetics (formerly Invitae), Labcorp
Classification: Benign. Last evaluated: 2026-01-27. Review status: criteria provided, single submitter. Criteria: Invitae Variant Classification Sherloc (09022015). Collection method: clinical testing. Allele origin: germline.

Athena Diagnostics
Classification: Benign. Last evaluated: 2016-10-17. Review status: criteria provided, single submitter. Criteria: Athena Diagnostics Criteria. Collection method: clinical testing. Allele origin: germline.

GeneDx
Classification: Benign. Last evaluated: 2015-10-12. Review status: criteria provided, single submitter. Criteria: GeneDx Variant Classification (06012015). Collection method: clinical testing. Allele origin: germline. Affected: yes.
Comment: This variant is considered likely benign or benign based on one or more of the following criteria: it is a conservative change, it occurs at a poorly conserved position in the protein, it is predicted to be benign by multiple in silico algorithms, and/or has population frequency not consistent with disease.

Genetic Services Laboratory, University of Chicago
Classification: Benign. Last evaluated: 2013-02-08. Review status: criteria provided, single submitter. Criteria: ACMG Guidelines, 2007. Collection method: clinical testing. Allele origin: germline. Inheritance: Autosomal recessive inheritance.

Natera, Inc.
Classification: Benign for Bilateral frontoparietal polymicrogyria. Last evaluated: 2020-09-16. Review status: no assertion criteria provided. Collection method: clinical testing. Allele origin: germline. Not counted in ClinVar's aggregate classification.

NM_201525.4(ADGRG1):c.504C>T (p.Ala168=)

Gene: ADGRG1 (adhesion G protein-coupled receptor G1; plus strand). Cytogenetic location: 16q21.
Variant type: single nucleotide variant.
Coding change: c.504C>T on transcript NM_201525.4 (MANE Select); coding-DNA position 504, C replaced by T.
Protein change: p.Ala168=; no amino-acid change (alanine 168 retained).
Molecular consequence: synonymous variant. On other transcripts: 5 prime UTR variant (5), intron variant (1).
Genome position (GRCh38, 1-based): chr16:57,653,219, C>T. VCF-style: chr16-57653219-C-T. GRCh37 (hg19) VCF-style: chr16-57687131-C-T.
Other names: c.504C>T, p.Ala168= (NM_001145770.3, NM_001145771.3, NM_001145772.3 and 16 more transcripts); c.519C>T, p.Ala173= (NM_001145773.3, NM_001370433.1); c.-22C>T (NM_001290143.2, NM_001290144.2, NM_001370451.1 and 2 more transcripts); c.348C>T, p.Ala116= (NM_001370442.1); c.111-767C>T (NM_001290142.2).
Identifiers: ClinVar variation 158632 (VCV000158632.17), dbSNP rs113005540, ClinGen allele CA172257.